The following is an entry in ClinVar:

ClinVar aggregate classification (germline): Pathogenic. Review status: criteria provided, single submitter (1 of 4 stars). 2 submissions from 2 submitters: Pathogenic (1). 1 of the submissions does not count toward it. Last evaluated 2025-01-13.

Conditions:
Intellectual disability, autosomal recessive 53 (NEDHSCA). Also called: GLYCOSYLPHOSPHATIDYLINOSITOL BIOSYNTHESIS DEFECT 13; Mental retardation, autosomal recessive 53; NEURODEVELOPMENTAL DISORDER WITH OR WITHOUT HYPOTONIA, SEIZURES, AND CEREBELLAR ATROPHY. Identifiers: Orphanet 488635, MedGen C4310794, MONDO:0014832, OMIM 616917.

Allele frequency attached by ClinVar (database versions not stated): gnomAD exomes below 0.00001.
gnomAD v4.1: 1 of 1,583,260 alleles (0.000063%); highest among the groups gnomAD compares: South Asian, 0.0012%; no homozygotes.

Submissions (2):

Labcorp Genetics (formerly Invitae), Labcorp
Classification: Pathogenic for Intellectual disability, autosomal recessive 53. Last evaluated: 2025-01-13. Review status: criteria provided, single submitter. Criteria: Invitae Variant Classification Sherloc (09022015). Collection method: clinical testing. Allele origin: germline.
Comment: This sequence change affects a donor splice site in intron 10 of the PIGG gene. It is expected to disrupt RNA splicing. Variants that disrupt the donor or acceptor splice site typically lead to a loss of protein function (PMID: 16199547), and loss-of-function variants in PIGG are known to be pathogenic (PMID: 26996948, 28581210, 28771251). This variant is not present in population databases (gnomAD no frequency). Disruption of this splice site has been observed in individual(s) with clinical features of PIGG-related conditions (PMID: 26996948). It has also been observed to segregate with disease in related individuals. ClinVar contains an entry for this variant (Variation ID: 225639). Algorithms developed to predict the effect of sequence changes on RNA splicing suggest that this variant may disrupt the consensus splice site. For these reasons, this variant has been classified as Pathogenic.

OMIM
Classification: Pathogenic for NEURODEVELOPMENTAL DISORDER WITH OR WITHOUT HYPOTONIA, SEIZURES, AND CEREBELLAR ATROPHY. Last evaluated: 2023-01-20. Review status: no assertion criteria provided. Collection method: literature only. Allele origin: germline. Not counted in ClinVar's aggregate classification.

Literature cited by the submitters: PubMed 16199547 (cited by Labcorp Genetics (formerly Invitae), Labcorp); PubMed 26996948 (cited by Labcorp Genetics (formerly Invitae), Labcorp and OMIM); PubMed 28581210 (cited by Labcorp Genetics (formerly Invitae), Labcorp); PubMed 28771251 (cited by Labcorp Genetics (formerly Invitae), Labcorp).

NM_001127178.3(PIGG):c.2261+1G>C

Gene: PIGG (phosphatidylinositol glycan anchor biosynthesis class G (EMM blood group); plus strand). Cytogenetic location: 4p16.3.
Variant type: single nucleotide variant.
Coding change: c.2261+1G>C on transcript NM_001127178.3 (MANE Select); the canonical splice donor site of the intron after coding-DNA position 2261, G replaced by C.
Molecular consequence: splice donor variant. On other transcripts: non-coding transcript variant (1).
Genome position (GRCh38, 1-based): chr4:527,231, G>C. VCF-style: chr4-527231-G-C. GRCh37 (hg19) VCF-style: chr4-521020-G-C.
Other names: 2261+1G-C; c.1163+1G>C (NM_001345994.2); c.1994+1G>C (NM_001345986.2, NM_001289051.2); c.1970+1G>C (NM_001345987.2); c.728+1G>C (NM_001345991.2, NM_001345990.2); c.1232+1G>C (NM_001345988.2); c.2237+1G>C (NM_017733.5); c.1862+1G>C (NM_001289052.2).
Identifiers: ClinVar variation 225639 (VCV000225639.4), dbSNP rs869320773, ClinGen allele CA10576043.